The following is an entry in ClinVar:

ClinVar aggregate classification (germline): Pathogenic (1 of 4 stars; one submission).

Conditions:
Hereditary cancer-predisposing syndrome. Also called: Neoplastic Syndromes, Hereditary; Tumor predisposition; Hereditary Cancer Syndrome; Hereditary neoplastic syndrome. Identifiers: Orphanet 140162, MedGen C0027672, MeSH D009386, MONDO:0015356.

Submission:

Ambry Genetics
Classification: Pathogenic for Hereditary cancer-predisposing syndrome. Last evaluated: 2025-01-06. Review status: criteria provided, single submitter. Criteria: Ambry Variant Classification Scheme 2023. Collection method: clinical testing. Allele origin: germline.
Comment: The c.6930_6939del10 pathogenic mutation, located in coding exon 46 of the ATM gene, results from a deletion of 10 nucleotides at nucleotide positions 6930 to 6939, causing a translational frameshift with a predicted alternate stop codon (p.I2311Kfs*2). This variant is considered to be rare based on population cohorts in the Genome Aggregation Database (gnomAD). This alteration is expected to result in loss of function by premature protein truncation or nonsense-mediated mRNA decay. As such, this alteration is interpreted as a disease-causing mutation.

NM_000051.4(ATM):c.6930_6939del (p.Ile2311fs)

Genes: ATM (ATM serine/threonine kinase; plus strand), C11orf65 (chromosome 11 open reading frame 65; minus strand). Cytogenetic location: 11q22.3.
Variant type: Deletion.
Coding change: c.6930_6939del on transcript NM_000051.4 (MANE Select); coding-DNA positions 6930 to 6939, 10 bases deleted (TATTCTCAAG; older notation c.6930_6939delTATTCTCAAG).
Protein change: p.Ile2311fs; shifts the reading frame from isoleucine 2311.
Molecular consequence: frameshift variant. On other transcripts: intron variant (2).
Genome position (GRCh38, 1-based): chr11:108,326,180-108,326,189, TATTCTCAAG deleted; deleting any 10 consecutive bases within chr11:108,326,178-108,326,189 gives the same sequence; the c. name uses the placement nearest the transcript's 3' end. VCF-style (leftmost placement, unchanged base first): chr11-108326177-GAGTATTCTCA-G. GRCh37 (hg19) VCF-style: chr11-108196904-GAGTATTCTCA-G.
Other names: c.6930_6939del, p.Ile2311fs (NM_001351834.2); c.641-17116_641-17107del (NM_001330368.2); c.*38+9033_*38+9042del (NM_001351110.2); c.6930_6939del10 (NM_000051.3); short protein forms I2311fs.
Identifiers: ClinVar variation 3801201 (VCV003801201.1).
Genomic context (GRCh38, chr11:108,326,177, plus strand): 5'-TGAGTGGCAGCTGGAAGAAGCACAAGTATTCTGGGCAAAAAAGGAGCAGAGTCTTGCCCT[GAGTATTCTCA>G]AGCAAATGATCAAGAAGTTGGATGCCAGCTGTGCAGCGGTTTGTTTTTTTTATTGGCTGG-3'